The following is an entry in ClinVar:

ClinVar aggregate classification (germline): Uncertain significance. Review status: criteria provided, multiple submitters, no conflicts (2 of 4 stars). 3 submissions from 3 submitters: Uncertain significance (3). Last evaluated 2025-07-30.

Conditions:
Global developmental delay - lung cysts - overgrowth - Wilms tumor syndrome. Also called: GLOBAL DEVELOPMENTAL DELAY, LUNG CYSTS, OVERGROWTH, AND WILMS TUMOR; GLOW Syndrome. Identifiers: Orphanet 404476, MedGen C4748924, MONDO:0018445, OMIM 618272.
DICER1-related tumor predisposition. Also called: DICER1 syndrome; DICER1-related pleuropulmonary blastoma cancer predisposition syndrome. Identifiers: Orphanet 284343, MedGen C3839822, MONDO:0100216.
Hereditary cancer-predisposing syndrome. Also called: Tumor predisposition; Hereditary neoplastic syndrome; Neoplastic Syndromes, Hereditary; Hereditary Cancer Syndrome. Identifiers: Orphanet 140162, MedGen C0027672, MeSH D009386, MONDO:0015356.

Allele frequency attached by ClinVar (database versions not stated): gnomAD exomes below 0.00001.
gnomAD v4.1: 1 of 1,614,146 alleles (0.000062%); highest among the groups gnomAD compares: African/African-American, 0.0013%; no homozygotes.

Submissions (3):

Labcorp Genetics (formerly Invitae), Labcorp
Classification: Uncertain significance for DICER1-related tumor predisposition. Last evaluated: 2025-07-30. Review status: criteria provided, single submitter. Criteria: Invitae Variant Classification Sherloc (09022015). Collection method: clinical testing. Allele origin: germline.
Comment: This sequence change replaces cysteine, which is neutral and slightly polar, with tyrosine, which is neutral and polar, at codon 1197 of the DICER1 protein (p.Cys1197Tyr). This variant is not present in population databases (gnomAD no frequency). This variant has not been reported in the literature in individuals affected with DICER1-related conditions. ClinVar contains an entry for this variant (Variation ID: 1497473). Invitae Evidence Modeling of protein sequence and biophysical properties (such as structural, functional, and spatial information, amino acid conservation, physicochemical variation, residue mobility, and thermodynamic stability) indicates that this missense variant is not expected to disrupt DICER1 protein function with a negative predictive value of 95%. In summary, the available evidence is currently insufficient to determine the role of this variant in disease. Therefore, it has been classified as a Variant of Uncertain Significance.

Baylor Genetics
Classification: Uncertain significance for Global developmental delay - lung cysts - overgrowth - Wilms tumor syndrome. Last evaluated: 2023-11-27. Review status: criteria provided, single submitter. Criteria: ACMG Guidelines, 2015. Collection method: clinical testing. Allele origin: unknown.

Ambry Genetics
Classification: Uncertain significance for Hereditary cancer-predisposing syndrome. Last evaluated: 2023-05-22. Review status: criteria provided, single submitter. Criteria: Ambry Variant Classification Scheme 2023. Collection method: clinical testing. Allele origin: germline.
Comment: The p.C1197Y variant (also known as c.3590G>A), located in coding exon 20 of the DICER1 gene, results from a G to A substitution at nucleotide position 3590. The cysteine at codon 1197 is replaced by tyrosine, an amino acid with highly dissimilar properties. This amino acid position is highly conserved in available vertebrate species. In addition, this alteration is predicted to be deleterious by in silico analysis. Since supporting evidence is limited at this time, the clinical significance of this alteration remains unclear.

NM_177438.3(DICER1):c.3590G>A (p.Cys1197Tyr)

Gene: DICER1 (dicer 1, ribonuclease III; minus strand). Cytogenetic location: 14q32.13.
Variant type: single nucleotide variant.
Coding change: c.3590G>A on transcript NM_177438.3 (MANE Select); coding-DNA position 3590, G replaced by A.
Protein change: p.Cys1197Tyr; replaces cysteine 1197 with tyrosine.
Molecular consequence: missense variant.
Genome position (GRCh38, 1-based): chr14:95,103,806, C>T on the plus strand (G>A on the coding strand, the complement: DICER1 is on the minus strand). VCF-style: chr14-95103806-C-T. GRCh37 (hg19) VCF-style: chr14-95570143-C-T.
Other names: c.3590G>A (NM_177438.2); c.3590G>A, p.Cys1197Tyr (NM_001195573.1, NM_001271282.3, NM_001291628.2 and 1 more transcripts); short protein forms C1197Y.
Identifiers: ClinVar variation 1497473 (VCV001497473.12), dbSNP rs2139964601, ClinGen allele CA390874793.